The following is an entry in ClinVar:

ClinVar aggregate classification (germline): Uncertain significance (1 of 4 stars; one submission).

Submission:

Labcorp Genetics (formerly Invitae), Labcorp
Classification: Uncertain significance. Last evaluated: 2022-09-13. Review status: criteria provided, single submitter. Criteria: Invitae Variant Classification Sherloc (09022015). Collection method: clinical testing. Allele origin: germline.
Comment: In summary, the available evidence is currently insufficient to determine the role of this variant in disease. Therefore, it has been classified as a Variant of Uncertain Significance. Advanced modeling of protein sequence and biophysical properties (such as structural, functional, and spatial information, amino acid conservation, physicochemical variation, residue mobility, and thermodynamic stability) performed at Invitae indicates that this missense variant is not expected to disrupt USH1G protein function. ClinVar contains an entry for this variant (Variation ID: 961147). This variant has not been reported in the literature in individuals affected with USH1G-related conditions. This variant is not present in population databases (gnomAD no frequency). This sequence change replaces alanine, which is neutral and non-polar, with serine, which is neutral and polar, at codon 151 of the USH1G protein (p.Ala151Ser).

NM_173477.5(USH1G):c.451G>T (p.Ala151Ser)

Gene: USH1G (USH1 protein network component sans; minus strand). Cytogenetic location: 17q25.1.
Variant type: single nucleotide variant.
Coding change: c.451G>T on transcript NM_173477.5 (MANE Select); coding-DNA position 451, G replaced by T.
Protein change: p.Ala151Ser; replaces alanine 151 with serine.
Molecular consequence: missense variant.
Genome position (GRCh38, 1-based): chr17:74,920,385, C>A on the plus strand (G>T on the coding strand, the complement: USH1G is on the minus strand). VCF-style: chr17-74920385-C-A. GRCh37 (hg19) VCF-style: chr17-72916480-C-A.
Other names: c.142G>T, p.Ala48Ser (NM_001282489.3); short protein forms A151S, A48S.
Identifiers: ClinVar variation 961147 (VCV000961147.10), dbSNP rs1598584337, ClinGen allele CA400965322.